The following is an entry in ClinVar:

NM_003126.4(SPTA1):c.4478G>A (p.Arg1493Gln)

Gene: SPTA1 (spectrin alpha, erythrocytic 1; minus strand). Cytogenetic location: 1q23.1.
Variant type: single nucleotide variant.
Coding change: c.4478G>A on transcript NM_003126.4 (MANE Select); coding-DNA position 4478, G replaced by A.
Protein change: p.Arg1493Gln; replaces arginine 1493 with glutamine.
Molecular consequence: missense variant.
Genome position (GRCh38, 1-based): chr1:158,642,941, C>T on the plus strand (G>A on the coding strand, the complement: SPTA1 is on the minus strand). VCF-style: chr1-158642941-C-T. GRCh37 (hg19) VCF-style: chr1-158612731-C-T.
Other names: p.Arg1493Gln; short protein forms R1493Q.
Identifiers: ClinVar variation 3380024 (VCV003380024.1).

ClinVar aggregate classification (germline): Uncertain significance (1 of 4 stars; one submission).

gnomAD v4.1: 15 of 1,613,626 alleles (0.00093%); highest among the groups gnomAD compares: Non-Finnish European, 0.0012%; no homozygotes.

Submission:

Mayo Clinic Laboratories, Mayo Clinic
Classification: Uncertain significance. Last evaluated: 2023-06-15. Review status: criteria provided, single submitter. Criteria: ACMG Guidelines, 2015. Collection method: clinical testing. Allele origin: germline. Observed: 1 variant allele.
Comment: BP4_strong, PM2_moderate